The following is an entry in ClinVar:

NM_001330078.2(NRXN1):c.3547C>A (p.His1183Asn)

Gene: NRXN1 (neurexin 1; minus strand). Cytogenetic location: 2p16.3.
Variant type: single nucleotide variant.
Coding change: c.3547C>A on transcript NM_001330078.2 (MANE Select); coding-DNA position 3547, C replaced by A.
Protein change: p.His1183Asn; replaces histidine 1183 with asparagine.
Molecular consequence: missense variant.
Genome position (GRCh38, 1-based): chr2:50,091,494, G>T on the plus strand (C>A on the coding strand, the complement: NRXN1 is on the minus strand). VCF-style: chr2-50091494-G-T. GRCh37 (hg19) VCF-style: chr2-50318632-G-T.
Other names: c.3481C>A, p.His1161Asn (NM_001330083.2, NM_001330084.2); c.3520C>A, p.His1174Asn (NM_001330085.2); c.3547C>A, p.His1183Asn (NM_001330086.2, NM_004801.6); c.3436C>A, p.His1146Asn (NM_001330087.2, NM_001330096.2); c.3466C>A, p.His1156Asn (NM_001330088.2); c.442C>A, p.His148Asn (NM_001330091.2, NM_001330092.2, NM_001330097.2 and 1 more transcripts); c.3544C>A, p.His1182Asn (NM_001330093.2); c.3535C>A, p.His1179Asn (NM_001330094.2); and 3 more; short protein forms H148N, H1156N, H1161N, H1174N, H1146N, H1166N, H1175N, H1223N.
Identifiers: ClinVar variation 1034473 (VCV001034473.8), dbSNP rs1699562503, ClinGen allele CA346819317.

ClinVar aggregate classification (germline): Uncertain significance (1 of 4 stars; one submission).

Conditions:
Pitt-Hopkins-like syndrome 2 (PTHSL2). Identifiers: Orphanet 221150, Orphanet 600663, MedGen C3280479, MONDO:0013690, OMIM 614325.

Submission:

Labcorp Genetics (formerly Invitae), Labcorp
Classification: Uncertain significance for Pitt-Hopkins-like syndrome 2. Last evaluated: 2020-03-06. Review status: criteria provided, single submitter. Criteria: Invitae Variant Classification Sherloc (09022015). Collection method: clinical testing. Allele origin: germline.
Comment: This sequence change replaces histidine with asparagine at codon 1223 of the NRXN1 protein (p.His1223Asn). The histidine residue is highly conserved and there is a small physicochemical difference between histidine and asparagine. This variant is not present in population databases (ExAC no frequency). This variant has not been reported in the literature in individuals with NRXN1-related conditions. Algorithms developed to predict the effect of missense changes on protein structure and function (SIFT, PolyPhen-2, Align-GVGD) all suggest that this variant is likely to be tolerated, but these predictions have not been confirmed by published functional studies and their clinical significance is uncertain. In summary, the available evidence is currently insufficient to determine the role of this variant in disease. Therefore, it has been classified as a Variant of Uncertain Significance.